The following is an entry in ClinVar:

NM_017763.6(RNF43):c.400G>A (p.Ala134Thr)

Gene: RNF43 (ring finger protein 43; minus strand). Cytogenetic location: 17q22.
Variant type: single nucleotide variant.
Coding change: c.400G>A on transcript NM_017763.6 (MANE Select); coding-DNA position 400, G replaced by A.
Protein change: p.Ala134Thr; replaces alanine 134 with threonine.
Molecular consequence: missense variant.
Genome position (GRCh38, 1-based): chr17:58,363,576, C>T on the plus strand (G>A on the coding strand, the complement: RNF43 is on the minus strand). VCF-style: chr17-58363576-C-T. GRCh37 (hg19) VCF-style: chr17-56440937-C-T.
Other names: c.400G>A, p.Ala134Thr (NM_001305544.3); c.19G>A, p.Ala7Thr (NM_001305545.2); short protein forms A134T, A7T.
Identifiers: ClinVar variation 3628704 (VCV003628704.2).

ClinVar aggregate classification (germline): Uncertain significance (1 of 4 stars; one submission).

Submission:

Labcorp Genetics (formerly Invitae), Labcorp
Classification: Uncertain significance. Last evaluated: 2024-12-24. Review status: criteria provided, single submitter. Criteria: Invitae Variant Classification Sherloc (09022015). Collection method: clinical testing. Allele origin: germline.
Comment: This sequence change replaces alanine, which is neutral and non-polar, with threonine, which is neutral and polar, at codon 134 of the RNF43 protein (p.Ala134Thr). This variant is not present in population databases (gnomAD no frequency). This variant has not been reported in the literature in individuals affected with RNF43-related conditions. An algorithm developed to predict the effect of missense changes on protein structure and function (PolyPhen-2) suggests that this variant is likely to be disruptive. In summary, the available evidence is currently insufficient to determine the role of this variant in disease. Therefore, it has been classified as a Variant of Uncertain Significance.